The following is an entry in ClinVar:

ClinVar aggregate classification (germline): Likely benign (1 of 4 stars; one submission).

Submission:

CeGaT Center for Human Genetics Tuebingen
Classification: Likely benign. Last evaluated: 2025-02-01. Review status: criteria provided, single submitter. Criteria: CeGaT Center For Human Genetics Tuebingen Variant Classification Criteria Version 2. Collection method: clinical testing. Allele origin: germline. Affected: yes. Observed: 1 variant allele.
Comment: CEL: PM4, BS1, BS2

NM_001807.6(CEL):c.2096_2128del (p.Gly699_Ser709del)

Gene: CEL (carboxyl ester lipase; plus strand). Cytogenetic location: 9q34.13.
Variant type: Deletion.
Coding change: c.2096_2128del on transcript NM_001807.6 (MANE Select); coding-DNA positions 2096 to 2128, 33 bases deleted.
Protein change: p.Gly699_Ser709del.
Genome position (GRCh38, 1-based): chr9:133,071,598-133,071,630, 33 bases deleted; deleting any 33 consecutive bases within chr9:133,071,582-133,071,630 gives the same sequence; the c. name uses the placement nearest the transcript's 3' end. GRCh37 (hg19): chr9:135,946,985-135,947,017.
Identifiers: ClinVar variation 3771203 (VCV003771203.13).